The following is an entry in ClinVar:

NM_001177316.2(SLC34A3):c.829G>A (p.Gly277Ser)

Gene: SLC34A3 (solute carrier family 34 member 3; plus strand). Cytogenetic location: 9q34.3.
Variant type: single nucleotide variant.
Coding change: c.829G>A on transcript NM_001177316.2 (MANE Select); coding-DNA position 829, G replaced by A.
Protein change: p.Gly277Ser; replaces glycine 277 with serine.
Molecular consequence: missense variant.
Genome position (GRCh38, 1-based): chr9:137,233,705, G>A. VCF-style: chr9-137233705-G-A. GRCh37 (hg19) VCF-style: chr9-140128157-G-A.
Other names: c.829G>A, p.Gly277Ser (NM_001177317.2, NM_080877.3); c.829G>A (NM_080877.2); short protein forms G277S.
Identifiers: ClinVar variation 2161793 (VCV002161793.4), dbSNP rs201328846, ClinGen allele CA201695558.

ClinVar aggregate classification (germline): Uncertain significance. Review status: criteria provided, multiple submitters, no conflicts (2 of 4 stars). 3 submissions from 3 submitters: Uncertain significance (3). Last evaluated 2024-01-29.

Conditions:
Autosomal recessive hypophosphatemic bone disease (HHRH). Also called: HYPERCALCIURIC RICKETS; Hypophosphatemic rickets with hypercalciuria. Identifiers: Orphanet 157215, MedGen C1853271, MONDO:0009431, OMIM 241530.
Inborn genetic diseases. Identifiers: MedGen C0950123, MeSH D030342.

Allele frequency attached by ClinVar (database versions not stated): gnomAD exomes 0.00003; TOPMed 0.00003; gnomAD 0.00004; ESP Exome Variant Server 0.00008; 1000 Genomes Project 0.00020.
gnomAD v4.1: 54 of 1,612,576 alleles (0.0033%); highest among the groups gnomAD compares: Middle Eastern, 0.017%; no homozygotes.

Submissions (3):

Labcorp Genetics (formerly Invitae), Labcorp
Classification: Uncertain significance. Last evaluated: 2024-01-29. Review status: criteria provided, single submitter. Criteria: Invitae Variant Classification Sherloc (09022015). Collection method: clinical testing. Allele origin: germline.
Comment: This sequence change replaces glycine, which is neutral and non-polar, with serine, which is neutral and polar, at codon 277 of the SLC34A3 protein (p.Gly277Ser). This variant is present in population databases (rs201328846, gnomAD 0.002%). This variant has not been reported in the literature in individuals affected with SLC34A3-related conditions. ClinVar contains an entry for this variant (Variation ID: 2161793). Advanced modeling of protein sequence and biophysical properties (such as structural, functional, and spatial information, amino acid conservation, physicochemical variation, residue mobility, and thermodynamic stability) performed at Invitae indicates that this missense variant is not expected to disrupt SLC34A3 protein function with a negative predictive value of 80%. In summary, the available evidence is currently insufficient to determine the role of this variant in disease. Therefore, it has been classified as a Variant of Uncertain Significance.

Fulgent Genetics
Classification: Uncertain significance for Autosomal recessive hypophosphatemic bone disease. Last evaluated: 2024-01-25. Review status: criteria provided, single submitter. Criteria: ACMG Guidelines, 2015. Collection method: clinical testing. Allele origin: germline.

Ambry Genetics
Classification: Uncertain significance for Inborn genetic diseases. Last evaluated: 2023-12-14. Review status: criteria provided, single submitter. Criteria: Ambry Variant Classification Scheme 2023. Collection method: clinical testing. Allele origin: germline.